The following is an entry in ClinVar:

NM_024757.5(EHMT1):c.2651A>G (p.Lys884Arg)

Gene: EHMT1 (euchromatic histone lysine methyltransferase 1; plus strand). Cytogenetic location: 9q34.3.
Variant type: single nucleotide variant.
Coding change: c.2651A>G on transcript NM_024757.5 (MANE Select); coding-DNA position 2651, A replaced by G.
Protein change: p.Lys884Arg; replaces lysine 884 with arginine.
Molecular consequence: missense variant.
Genome position (GRCh38, 1-based): chr9:137,800,923, A>G. VCF-style: chr9-137800923-A-G. GRCh37 (hg19) VCF-style: chr9-140695375-A-G.
Other names: c.2630A>G, p.Lys877Arg (NM_001354263.2); short protein forms K877R, K884R.
Identifiers: ClinVar variation 1698005 (VCV001698005.3), dbSNP rs2137381875, ClinGen allele CA375788861.

ClinVar aggregate classification (germline): Likely benign (1 of 4 stars; one submission).

Submission:

GeneDx
Classification: Likely benign. Last evaluated: 2022-08-30. Review status: criteria provided, single submitter. Criteria: GeneDx Variant Classification Process June 2021. Collection method: clinical testing. Allele origin: germline.
Comment: See Variant Classification Assertion Criteria.